The following is an entry in ClinVar:

ClinVar aggregate classification (germline): Uncertain significance (1 of 4 stars; one submission).

Allele frequency attached by ClinVar (database versions not stated): gnomAD exomes below 0.00001; ExAC 0.00002; gnomAD 0.00002; TOPMed 0.00003; ESP Exome Variant Server 0.00008.
gnomAD v4.1: 5 of 1,613,866 alleles (0.00031%); highest among the groups gnomAD compares: African/African-American, 0.0053%; no homozygotes.

Submission:

GeneDx
Classification: Uncertain significance. Last evaluated: 2022-10-10. Review status: criteria provided, single submitter. Criteria: GeneDx Variant Classification Process June 2021. Collection method: clinical testing. Allele origin: germline. Affected: yes.
Comment: In silico analysis supports that this missense variant has a deleterious effect on protein structure/function; Has not been previously published as pathogenic or benign to our knowledge

NM_002615.7(SERPINF1):c.497C>T (p.Pro166Leu)

Gene: SERPINF1 (serpin family F member 1; plus strand). Cytogenetic location: 17p13.3.
Variant type: single nucleotide variant.
Coding change: c.497C>T on transcript NM_002615.7 (MANE Select); coding-DNA position 497, C replaced by T.
Protein change: p.Pro166Leu; replaces proline 166 with leucine.
Molecular consequence: missense variant. On other transcripts: 5 prime UTR variant (2).
Genome position (GRCh38, 1-based): chr17:1,771,929, C>T. VCF-style: chr17-1771929-C-T. GRCh37 (hg19) VCF-style: chr17-1675223-C-T.
Other names: c.497C>T, p.Pro166Leu (NM_001329903.2); c.-65C>T (NM_001329904.2, NM_001329905.2); short protein forms P166L.
Identifiers: ClinVar variation 2497939 (VCV002497939.1), dbSNP rs368560431, ClinGen allele CA8274723.